The following is an entry in ClinVar:

NM_007294.4(BRCA1):c.3804T>C (p.Asn1268=)

Genes: BRCA1 (BRCA1 DNA repair associated; minus strand), LOC126862571 (BRD4-independent group 4 enhancer GRCh37_chr17:41243136-41244335; plus strand). Cytogenetic location: 17q21.31.
Variant type: single nucleotide variant.
Coding change: c.3804T>C on transcript NM_007294.4 (MANE Select); coding-DNA position 3804, T replaced by C.
Protein change: p.Asn1268=; no amino-acid change (asparagine 1268 retained).
Molecular consequence: synonymous variant. On other transcripts: intron variant (135).
Genome position (GRCh38, 1-based): chr17:43,091,727, A>G on the plus strand (T>C on the coding strand, the complement: BRCA1 is on the minus strand). VCF-style: chr17-43091727-A-G. GRCh37 (hg19) VCF-style: chr17-41243744-A-G.
Other names: NP_009225.1:p.Asn1268=; c.578-695T>C (NM_001408481.1, NM_001408480.1, NM_001408492.1 and 9 more transcripts); c.779-695T>C (NM_001408408.1); c.662-695T>C (NM_001408446.1, NM_001408435.1, NM_001408448.1 and 6 more transcripts); c.785-695T>C (NM_001408401.1, NM_001408396.1, NM_001407985.1 and 13 more transcripts); c.548-695T>C (NM_001408494.1); c.665-695T>C (NM_001408444.1, NM_001408438.1, NM_001408430.1 and 12 more transcripts); c.671-695T>C (NM_001408423.1, NM_001408420.1, NM_001408419.1 and 2 more transcripts); and 43 more.
Identifiers: ClinVar variation 136546 (VCV000136546.45), dbSNP rs140588714, ClinGen allele CA002451.

ClinVar aggregate classification (germline): Likely benign. Review status: reviewed by expert panel (3 of 4 stars). 15 submissions from 15 submitters: Likely benign (1). 14 of the submissions do not count toward it. Last evaluated 2017-06-29.

Conditions:
BRCA1-related disorder. Also called: BRCA1-related condition.
Hereditary cancer-predisposing syndrome. Also called: Tumor predisposition; Hereditary neoplastic syndrome; Hereditary Cancer Syndrome; Neoplastic Syndromes, Hereditary. Identifiers: Orphanet 140162, MedGen C0027672, MeSH D009386, MONDO:0015356.
Hereditary breast ovarian cancer syndrome. Also called: Hereditary breast and/or ovarian cancer syndrome; Breast and ovarian cancer; Hereditary breast and ovarian cancer syndrome; Hereditary breast and ovarian cancer; Hereditary breast and ovarian cancer syndrome (HBOC); BRCA1- and BRCA2-Associated Hereditary Breast and Ovarian Cancer. Identifiers: Orphanet 145, MedGen C0677776, MeSH D061325, MONDO:0003582. Disease mechanism: loss of function.
Breast-ovarian cancer, familial, susceptibility to, 1 (BROVCA1). Also called: BRCA1 Hereditary Breast and Ovarian Cancer; OVARIAN CANCER, SUSCEPTIBILITY TO. Identifiers: Orphanet 145, MedGen C2676676, MONDO:0011450, OMIM 604370. Disease mechanism: loss of function.
Malignant tumor of breast. Also called: Malignant breast neoplasm; Cancer breast. Identifiers: MedGen C0006142, MONDO:0007254. Disease mechanism: loss of function.

Allele frequency attached by ClinVar (database versions not stated): ExAC 0.00002; gnomAD exomes 0.00002 and 0.00004; ESP Exome Variant Server 0.00008; 1000 Genomes Project 30x 0.00016; TOPMed 0.00016; gnomAD 0.00019 and 0.00021; 1000 Genomes Project 0.00020.
gnomAD v4.1: 73 of 1,614,218 alleles (0.0045%); highest among the groups gnomAD compares: African/African-American, 0.075%; no homozygotes.

Submissions (15):

Evidence-based Network for the Interpretation of Germline Mutant Alleles (ENIGMA)
Classification: Likely benign for Breast-ovarian cancer, familial, susceptibility to, 1. Last evaluated: 2017-06-29. Review status: reviewed by expert panel. Criteria: ENIGMA BRCA1/2 Classification Criteria (2017-06-29). Collection method: curation. Allele origin: germline.
Comment: Synonymous substitution variant, with low bioinformatic likelihood to result in a splicing aberration (Splicing prior probability 0.02).

Labcorp Genetics (formerly Invitae), Labcorp
Classification: Benign for Hereditary breast ovarian cancer syndrome. Last evaluated: 2026-01-18. Review status: criteria provided, single submitter. Criteria: Invitae Variant Classification Sherloc (09022015). Collection method: clinical testing. Allele origin: germline. Not counted in ClinVar's aggregate classification.

ARUP Laboratories, Molecular Genetics and Genomics, ARUP Laboratories
Classification: Benign. Last evaluated: 2025-04-01. Review status: criteria provided, single submitter. Criteria: ARUP Molecular Germline Variant Investigation Process 2024. Collection method: clinical testing. Allele origin: germline. Not counted in ClinVar's aggregate classification.

KCCC/NGS Laboratory, Kuwait Cancer Control Center
Classification: Benign for Breast-ovarian cancer, familial, susceptibility to, 1. Last evaluated: 2025-02-01. Review status: criteria provided, single submitter. Criteria: ACMG Guidelines, 2015. Collection method: clinical testing. Allele origin: germline. Affected: no. Not counted in ClinVar's aggregate classification.

Blueprint Genetics
Classification: Likely benign. Last evaluated: 2024-01-15. Review status: criteria provided, single submitter. Criteria: ACMG Guidelines, 2015. Collection method: clinical testing. Allele origin: germline. Not counted in ClinVar's aggregate classification.

All of Us Research Program, National Institutes of Health
Classification: Likely benign for Breast-ovarian cancer, familial, susceptibility to, 1. Last evaluated: 2023-12-01. Review status: criteria provided, single submitter. Criteria: ACMG Guidelines, 2015. Collection method: clinical testing. Allele origin: germline. Inheritance: Autosomal dominant inheritance. Observed: 10 variant alleles, 10 heterozygotes. Not counted in ClinVar's aggregate classification.
Comment: This study involves interpretation of variants in research participants for the purpose of population health screening. Participant phenotype was not available at the time of variant classification. Additional details can be found in publication PMID: 35346344, PMCID: PMC8962531

Quest Diagnostics Nichols Institute San Juan Capistrano
Classification: Benign. Last evaluated: 2023-03-23. Review status: criteria provided, single submitter. Criteria: Quest Diagnostics criteria. Collection method: clinical testing. Allele origin: unknown. Not counted in ClinVar's aggregate classification.

National Health Laboratory Service, Universitas Academic Hospital and University of the Free State
Classification: Likely benign for Hereditary breast ovarian cancer syndrome. Last evaluated: 2022-04-19. Review status: criteria provided, single submitter. Criteria: ACMG Guidelines, 2015. Collection method: clinical testing. Allele origin: germline. Affected: yes. Observed: 12 variant alleles. Not counted in ClinVar's aggregate classification.

Sema4
Classification: Likely benign for Hereditary cancer-predisposing syndrome. Last evaluated: 2021-04-05. Review status: criteria provided, single submitter. Criteria: Sema4 Curation Guidelines. Collection method: curation. Allele origin: germline. Not counted in ClinVar's aggregate classification.

Women's Health and Genetics/Laboratory Corporation of America, LabCorp
Classification: Likely benign. Last evaluated: 2020-11-14. Review status: criteria provided, single submitter. Criteria: LabCorp Variant Classification Summary - May 2015. Collection method: clinical testing. Allele origin: germline. Not counted in ClinVar's aggregate classification.

Color Diagnostics, LLC DBA Color Health
Classification: Likely benign for Hereditary cancer-predisposing syndrome. Last evaluated: 2015-10-01. Review status: criteria provided, single submitter. Criteria: ACMG Guidelines, 2015. Collection method: clinical testing. Allele origin: germline. Not counted in ClinVar's aggregate classification.

Ambry Genetics
Classification: Likely benign for Hereditary cancer-predisposing syndrome. Last evaluated: 2014-10-17. Review status: criteria provided, single submitter. Criteria: Ambry Variant Classification Scheme 2023. Collection method: clinical testing. Allele origin: germline. Not counted in ClinVar's aggregate classification.

PreventionGenetics, part of Exact Sciences
Classification: Likely benign for BRCA1-related condition. Last evaluated: 2022-01-18. Review status: no assertion criteria provided. Collection method: clinical testing. Allele origin: germline. Not counted in ClinVar's aggregate classification.
Comment: This variant is classified as likely benign based on ACMG/AMP sequence variant interpretation guidelines (Richards et al. 2015 PMID: 25741868, with internal and published modifications).

Counsyl
Classification: Likely benign for Breast-ovarian cancer, familial, susceptibility to, 1. Last evaluated: 2016-10-11. Review status: no assertion criteria provided. Collection method: clinical testing. Allele origin: unknown. Not counted in ClinVar's aggregate classification.

Department of Pathology and Laboratory Medicine, Sinai Health System
Classification: Likely benign for Malignant tumor of breast. Review status: no assertion criteria provided. Collection method: clinical testing. Allele origin: unknown. Affected: yes. Study: The Canadian Open Genetics Repository (COGR). Not counted in ClinVar's aggregate classification.
Comment: The BRCA1 p.Asn1268= variant was identified in 7 of 114310 proband chromosomes (frequency: 0.00006) from individuals or families with breast or ovarian cancer (Caux-Moncoutier 2011, Judkins 2005). The variant was also identified in dbSNP (ID: rs140588714) as "With Uncertain significance allele", ClinVar (classified as benign by Invitae; as likely benign by Ambry Genetics, Counsyl, and three other submitters; and as uncertain significance by one submitter), Cosmic, LOVD 3.0 (4x), and UMD-LSDB (9x as unclassified variant). The variant was not identified in COGR, BIC Database, ARUP Laboratories, or Zhejiang University databases. The variant was identified in control databases in 14 of 276904 chromosomes at a frequency of 0.00005 (Genome Aggregation Database Feb 27, 2017). The variant was observed in the African population in 14 of 24030 chromosomes (freq: 0.0006), while the variant was not observed in the Other, Latino, European, Ashkenazi Jewish, East Asian, Finnish, or South Asian populations. The p.Asn1268= variant is not expected to have clinical significance because it does not result in a change of amino acid and is not located in a known consensus splice site. In addition, in silico or computational prediction software programs (SpliceSiteFinder, MaxEntScan, NNSPLICE, GeneSplicer, HumanSpliceFinder) do not predict a difference in splicing. In summary, based on the above information, the clinical significance of this variant cannot be determined with certainty at this time although we would lean towards a more benign role for this variant. This variant is classified as likely benign.

Literature cited by the submitters: PubMed 16267036 (cited by Quest Diagnostics Nichols Institute San Juan Capistrano and Women's Health and Genetics/Laboratory Corporation of America, LabCorp); PubMed 21120943 (cited by 3 submitters); DOI 10.3389/fgene.2022.834265 (cited by National Health Laboratory Service, Universitas Academic Hospital and University of the Free State).